The following is an entry in ClinVar:

NM_001845.6(COL4A1):c.2869G>T (p.Gly957Ter)

Gene: COL4A1 (collagen type IV alpha 1 chain; minus strand). Cytogenetic location: 13q34.
Variant type: single nucleotide variant.
Coding change: c.2869G>T on transcript NM_001845.6 (MANE Select); coding-DNA position 2869, G replaced by T.
Protein change: p.Gly957Ter; replaces glycine 957 with a stop codon.
Molecular consequence: nonsense.
Genome position (GRCh38, 1-based): chr13:110,176,885, C>A on the plus strand (G>T on the coding strand, the complement: COL4A1 is on the minus strand). VCF-style: chr13-110176885-C-A. GRCh37 (hg19) VCF-style: chr13-110829232-C-A.
Other names: short protein forms G957*.
Identifiers: ClinVar variation 3061221 (VCV003061221.2), dbSNP rs2139162955, ClinGen allele CA388666670.
Genomic context (GRCh38, chr13:110,176,885, plus strand): 5'-TAACCCAGGAAAGGCACATTGTGGTTCCGAGCTTGGCCATGAGAAGCCTCCTGGACTTGC[C>A]TTTCTCTCCTTGGTCTCCTTTCTGGCCCTTCATGCTGCCCATGTCCACCTTATCCATGGA-3'

ClinVar aggregate classification (germline): Likely pathogenic (0 of 4 stars; one submission).

Conditions:
COL4A1-related disorder. Also called: COL4A1-related disorders; COL4A1-related condition. Identifiers: MedGen CN376119, MONDO:0800461.

Submission:

PreventionGenetics, part of Exact Sciences
Classification: Likely pathogenic for COL4A1-related condition. Last evaluated: 2024-02-23. Review status: no assertion criteria provided. Collection method: clinical testing. Allele origin: germline.
Comment: The COL4A1 c.2869G>T variant is predicted to result in premature protein termination (p.Gly957*). To our knowledge, this variant has not been reported in the literature or in a large population database, indicating this variant is rare. Nonsense variants in COL4A1 are expected to be pathogenic. This variant is interpreted as likely pathogenic.